The following continues an entry in ClinVar:

NM_012452.3(TNFRSF13B):c.542C>A (p.Ala181Glu)

Gene: TNFRSF13B. ClinVar aggregate classification (germline): Conflicting classifications of pathogenicity. Pathogenic (14); Likely pathogenic (11); Likely benign (1).

Submissions 9 to 19 of 36:

ARUP Laboratories, Molecular Genetics and Genomics, ARUP Laboratories
Classification: Pathogenic. Last evaluated: 2025-06-20. Review status: criteria provided, single submitter. Criteria: ARUP Molecular Germline Variant Investigation Process 2024. Collection method: clinical testing. Allele origin: germline.
Comment: The TNFRSF13B c.542C>A; p.Ala181Glu variant (rs72553883, ClinVar Variation ID: 5303) is reported in the literature in multiple individuals diagnosed with common variable immunodeficiency (Castigli 2005, Salzer 2005, Martinez-Gallo 2013). This variant is also observed in clinically asymptomatic relatives and is found in the Finnish European population with an overall allele frequency of 2.4% (603/24990 alleles, including 8 homozygotes) in the Genome Aggregation Database (v2.1.1), suggesting it may act as a susceptibility or disease-associated variant, possibly with other genetic and/or environmental factors (Dong 2010). Still, case-control studies demonstrate the p.Ala181Glu variant is significantly enriched in affected individuals (OR >5, p< 0.05) (Pan-Hammarstrom 2007, Dong 2010, Freiberger 2012). Functional characterization of the p.Ala181Glu protein in mice (A144E) and human B-cells indicate disrupted NF-KB signaling and significantly impaired B-cell function (Lee 2009, Fried 2011). Based on available information, the variant is considered to be pathogenic. References: Castigli E et al. TACI is mutant in common variable immunodeficiency and IgA deficiency. Nat Genet. 2005 Aug;37(8):829-34. PMID: 16007086. Dong X et al. (2010) Phenotypic and clinical heterogeneity associated with monoallelic TNFRSF13B-A181E mutations in common variable immunodeficiency. Hum Immunol. 71(5):505-11. PMID: 20156508. Freiberger T et al. Sequence variants of the TNFRSF13B gene in Czech CVID and IgAD patients in the context of other populations. Hum Immunol. 2012 Nov;73(11):1147-54. PMID: 22884984. Fried A et al. Functional analysis of transmembrane activator and calcium-modulating cyclophilin ligand interactor (TACI) mutations associated with common variable immunodeficiency. J Allergy Clin Immunol. 2011 Jul;128(1):226-228.e1. PMID: 21419480. Martinez-Gallo M et al. TACI mutations and impaired B-cell function in subjects with CVID and healthy heterozygotes. J Allergy Clin Immunol. 2013 Feb;131(2):468-76. PMID: 23237420. Lee J et al. The murine equivalent of the A181E TACI mutation associated with common variable immunodeficiency severely impairs B-cell function. Blood. 2009 Sep 10;114(11):2254-62. PMID: 19605846. Pan-Hammarstrom Q et al. Reexamining the role of TACI coding variants in common variable immunodeficiency and selective IgA deficiency. Nat Genet. 2007 Apr;39(4):429-30. PMID: 17392797. Salzer U et al. Mutations in TNFRSF13B encoding TACI are associated with common variable immunodeficiency in humans. Nat Genet. 2005 Aug;37(8):820-8. PMID: 16007087.

Blueprint Genetics
Classification: Likely benign. Last evaluated: 2024-11-27. Review status: criteria provided, single submitter. Criteria: ACMG Guidelines, 2015. Collection method: clinical testing. Allele origin: germline.

Mayo Clinic Laboratories, Mayo Clinic
Classification: Pathogenic. Last evaluated: 2024-11-04. Review status: criteria provided, single submitter. Criteria: ACMG Guidelines, 2015. Collection method: clinical testing. Allele origin: germline. Observed: 4 variant alleles.
Comment: PP1, PS3, PS4

Centre for Clinical Genetics and Genomic Diagnostics, Zealand University Hospital
Classification: Likely pathogenic. Last evaluated: 2024-06-26. Review status: criteria provided, single submitter. Criteria: ACMG Guidelines, 2015. Collection method: clinical testing. Allele origin: germline.

Pittsburgh Clinical Genomics Laboratory, University of Pittsburgh Medical Center
Classification: Pathogenic for Immunodeficiency, common variable, 2. Last evaluated: 2024-06-17. Review status: criteria provided, single submitter. Criteria: ACMG Guidelines, 2015. Collection method: clinical testing. Allele origin: germline. Inheritance: Autosomal unknown. Affected: yes.
Comment: This sequence variant is a single nucleotide substitution (C>A) at position 542 of the coding sequence of the TNFRSF13B gene that results in an alanine to glutamic acid amino acid change at residue 181 of the TACI protein. The 181 residue falls in the transmembrane domain (PMID: 21419480) of the TACI protein. This is a previously reported variant (ClinVar 5303) and is one of the most common variants associated with common variable immune deficiency when in the heterozygous, compound heterozygous, or homozygous states (PMID: 19605846, 23237420, 22884984, 19779048). This variant has also been observed in unaffected individuals (PMID: 23237420, 22884984, 20156508). However, in case-control studies this variant is significantly overrepresented in individuals affected by common variable immune deficiency (PMID: 22884984, 20156508). This variant is present in 2076 of 402874 alleles (0.5153%) in the gnomAD population dataset. Predictions from multiple bioinformatic tools provided conflicting predictions concerning the impact of this amino acid change, and the Ala181 residue at this position is poorly conserved across the vertebrate species examined. In vitro and in vivo studies suggest that this variant significantly reduces downstream signaling (PMID: 21419480, 19605846). Based upon the evidence, we consider this variant to be pathogenic. ACMG Criteria: PS3, PS4

Institute of Immunology and Genetics Kaiserslautern
Classification: Pathogenic for Immunodeficiency, common variable, 2. Last evaluated: 2024-05-02. Review status: criteria provided, single submitter. Criteria: ACMG Guidelines, 2015. Collection method: clinical testing. Allele origin: germline. Affected: yes.
Comment: ACMG Criteria: PS3, PS4, PM1, PM3, PP5; Variant was found in heterozygous state

Clinical Genomics Laboratory, Washington University in St. Louis
Classification: Pathogenic for Immunodeficiency, common variable, 2. Last evaluated: 2023-11-08. Review status: criteria provided, single submitter. Criteria: ACMG Guidelines, 2015. Collection method: clinical testing. Allele origin: germline. Affected: yes.
Comment: The TNFRSF13B c.542C>A (p.Ala181Glu) variant has been reported in individuals with CVID in the heterozygous, homozygous, and compound heterozygous state with other pathogenic TNFRSF13B variants (Castigli E et al., PMID: 16007086; Martinez-Gallo M et al., PMID: 23237420; Salzer U et al., PMID: 16007087). This variant has been reported in the ClinVar database as a germline variant with discrepant classifications: pathogenic by 7 submitters, likely pathogenic by 8 submitters, variant of uncertain significance by 2 submitters, and likely benign by 1 submitter. The highest population minor allele frequency in the population database genome aggregation database (v.2.1.1) is 2.4% in the European (Finnish) population which is higher than the expected allele frequency for pathogenic TNFRSF13B variants, but case control studies demonstrate the variant is enriched in affected individuals (OR 5.6; Dong X et al., PMID: 20156508; Freiberger T et al., PMID: 22884984; Pan-Hammarstr√∂m Q et al., PMID: 17392797). In vitro functional studies indicated that the variant impaired downstream signaling and a murine model was shown to have impaired signaling and function in vivo (Fried AJ et al., PMID: 21419480; Lee JJ et al., PMID: 19605846). Based on available information and the ACMG/AMP guidelines for variant interpretation (Richards S et al., PMID: 25741868), this variant is classified as pathogenic.

Institute of Human Genetics, University of Leipzig Medical Center
Classification: Likely pathogenic for Immunodeficiency, common variable, 2. Last evaluated: 2022-12-14. Review status: criteria provided, single submitter. Criteria: ACMG Guidelines, 2015. Collection method: clinical testing. Allele origin: unknown. Inheritance: Autosomal dominant inheritance. Affected: yes.
Comment: Criteria applied: PS3,PS4

Mendelics
Classification: Pathogenic for Immunodeficiency, common variable, 2. Last evaluated: 2022-05-04. Review status: criteria provided, single submitter. Criteria: Mendelics Assertion Criteria 2019. Collection method: clinical testing. Allele origin: germline.

AiLife Diagnostics
Classification: Pathogenic. Last evaluated: 2022-03-30. Review status: criteria provided, single submitter. Criteria: ACMG Guidelines, 2015. Collection method: clinical testing. Allele origin: germline. Affected: yes. Observed: 2 variant alleles.

Laboratorio de Genetica e Diagnostico Molecular, Hospital Israelita Albert Einstein
Classification: Likely pathogenic for Immunodeficiency, common variable, 2. Last evaluated: 2022-02-08. Review status: criteria provided, single submitter. Criteria: ACMG Guidelines, 2015. Collection method: clinical testing. Allele origin: germline. Affected: yes.
Comment: ACMG classification criteria: PS3 supporting, PS4 strong, PP1 supporting